The following is an entry in ClinVar:

NM_000520.6(HEXA):c.260G>A (p.Arg87Gln)

Gene: HEXA (hexosaminidase subunit alpha; minus strand). Cytogenetic location: 15q23.
Variant type: single nucleotide variant.
Coding change: c.260G>A on transcript NM_000520.6 (MANE Select); coding-DNA position 260, G replaced by A.
Protein change: p.Arg87Gln; replaces arginine 87 with glutamine.
Molecular consequence: missense variant. On other transcripts: non-coding transcript variant (1).
Genome position (GRCh38, 1-based): chr15:72,356,611, C>T on the plus strand (G>A on the coding strand, the complement: HEXA is on the minus strand). VCF-style: chr15-72356611-C-T. GRCh37 (hg19) VCF-style: chr15-72648952-C-T.
Other names: p.Arg87Gln; c.260G>A (NM_000520.5); c.293G>A, p.Arg98Gln (NM_001318825.2); short protein forms R87Q, R98Q.
Identifiers: ClinVar variation 554821 (VCV000554821.5), dbSNP rs766966378, ClinGen allele CA7645049.

ClinVar aggregate classification (germline): Uncertain significance. Review status: criteria provided, multiple submitters, no conflicts (2 of 4 stars). 4 submissions from 4 submitters: Uncertain significance (3). 1 of the submissions does not count toward it. Last evaluated 2025-08-18.

Conditions:
Tay-Sachs disease (TSD). Also called: HEXA Disorders; HEXA DEFICIENCY; Hexosaminidase A Deficiency; GM2 gangliosidosis, type 1; Hexosaminidase alpha-subunit deficiency (variant B); Sphingolipidosis, Tay-Sachs. Identifiers: Orphanet 845, MedGen C0039373, MONDO:0010100, OMIM 272800.

Allele frequency attached by ClinVar (database versions not stated): gnomAD exomes 0.00001; TOPMed 0.00002; ExAC 0.00003.

Submissions (4):

Mayo Clinic Laboratories, Mayo Clinic
Classification: Uncertain significance. Last evaluated: 2025-08-18. Review status: criteria provided, single submitter. Criteria: ACMG Guidelines, 2015. Collection method: clinical testing. Allele origin: germline. Observed: 1 variant allele.
Comment: BP4, PM2_supporting

Quest Diagnostics Nichols Institute San Juan Capistrano
Classification: Uncertain significance. Last evaluated: 2023-03-22. Review status: criteria provided, single submitter. Criteria: Quest Diagnostics criteria. Collection method: clinical testing. Allele origin: unknown.
Comment: To the best of our knowledge, the variant has not been reported in individuals with HEXA-related conditions in the published literature The frequency of this variant in the general population, 0.00016 (3/18386 chromosomes), is uninformative in assessment of its pathogenicity. Analysis of this variant using bioinformatics tools for the prediction of the effect of amino acid changes on protein structure and function yielded predictions that this variant is benign. Based on the available information, we are unable to determine the clinical significance of this variant.

Labcorp Genetics (formerly Invitae), Labcorp
Classification: Uncertain significance for Tay-Sachs disease. Last evaluated: 2018-04-12. Review status: criteria provided, single submitter. Criteria: Invitae Variant Classification Sherloc (09022015). Collection method: clinical testing. Allele origin: germline.
Comment: This sequence change replaces arginine with glutamine at codon 87 of the HEXA protein (p.Arg87Gln). The arginine residue is weakly conserved and there is a small physicochemical difference between arginine and glutamine. This variant is present in population databases (rs766966378, ExAC 0.03%). This variant has not been reported in the literature in individuals with HEXA-related disease. Algorithms developed to predict the effect of missense changes on protein structure and function output the following: SIFT: "Tolerated"; PolyPhen-2: "Benign"; Align-GVGD: "Class C0". The glutamine amino acid residue is found in multiple mammalian species, suggesting that this missense change does not adversely affect protein function. These predictions have not been confirmed by published functional studies and their clinical significance is uncertain. In summary, the available evidence is currently insufficient to determine the role of this variant in disease. Therefore, it has been classified as a Variant of Uncertain Significance.

Counsyl
Classification: Uncertain significance for Tay-Sachs disease. Last evaluated: 2017-11-16. Review status: no assertion criteria provided. Collection method: clinical testing. Allele origin: unknown. Not counted in ClinVar's aggregate classification.